The following is an entry in ClinVar:

ClinVar aggregate classification (germline): Benign/Likely benign. Review status: criteria provided, multiple submitters, no conflicts (2 of 4 stars). 5 submissions from 4 submitters: Benign (4); Likely benign (1). Last evaluated 2025-04-21.

Conditions:
Meckel syndrome, type 1 (MKS1). Also called: MECKEL-GRUBER SYNDROME, TYPE 1. Identifiers: Orphanet 564, MedGen C3714506, MONDO:0009571, OMIM 249000.
Bardet-Biedl syndrome 13 (BBS13). Identifiers: Orphanet 110, MedGen C2673873, MONDO:0014441, OMIM 615990.

Allele frequency attached by ClinVar (database versions not stated): gnomAD 0.01151 and 0.01231; ESP Exome Variant Server 0.00640; 1000 Genomes Project 30x 0.01515; 1000 Genomes Project 0.01538; ExAC 0.00452; gnomAD exomes 0.00109 and 0.00241; TOPMed 0.01315.
gnomAD v4.1: 3,315 of 1,549,458 alleles (0.21%); highest among the groups gnomAD compares: African/African-American, 4%; 59 homozygotes.

Submissions (5):

Mayo Clinic Laboratories, Mayo Clinic
Classification: Benign. Last evaluated: 2025-04-21. Review status: criteria provided, single submitter. Criteria: ACMG Guidelines, 2015. Collection method: clinical testing. Allele origin: germline. Observed: 11 variant alleles.
Comment: BA1, BP7

Illumina Laboratory Services, Illumina
Classification: Likely benign for Meckel syndrome, type 1. Last evaluated: 2018-01-12. Review status: criteria provided, single submitter. Criteria: ICSL Variant Classification Criteria 13 December 2019. Collection method: clinical testing. Allele origin: germline.
Comment: This variant was observed in the ICSL laboratory as part of a predisposition screen in an ostensibly healthy population. It had not been previously curated by ICSL or reported in the Human Gene Mutation Database (HGMD: prior to June 1st, 2018), and was therefore a candidate for classification through an automated scoring system. Utilizing variant allele frequency, disease prevalence and penetrance estimates, and inheritance mode, an automated score was calculated to assess if this variant is too frequent to cause the disease. Based on the score and internal cut-off values, a variant classified as likely benign is not then subjected to further curation. The score for this variant resulted in a classification of likely benign for this disease.

Illumina Laboratory Services, Illumina
Classification: Benign for Bardet-Biedl syndrome 13. Last evaluated: 2018-01-12. Review status: criteria provided, single submitter. Criteria: ICSL Variant Classification Criteria 13 December 2019. Collection method: clinical testing. Allele origin: germline.
Comment: This variant was observed in the ICSL laboratory as part of a predisposition screen in an ostensibly healthy population. It had not been previously curated by ICSL or reported in the Human Gene Mutation Database (HGMD: prior to June 1st, 2018), and was therefore a candidate for classification through an automated scoring system. Utilizing variant allele frequency, disease prevalence and penetrance estimates, and inheritance mode, an automated score was calculated to assess if this variant is too frequent to cause the disease. Based on the score and internal cut-off values, a variant classified as benign is not then subjected to further curation. The score for this variant resulted in a classification of benign for this disease.

GeneDx
Classification: Benign. Last evaluated: 2016-03-21. Review status: criteria provided, single submitter. Criteria: GeneDx Variant Classification (06012015). Collection method: clinical testing. Allele origin: germline. Affected: yes.
Comment: This variant is considered likely benign or benign based on one or more of the following criteria: it is a conservative change, it occurs at a poorly conserved position in the protein, it is predicted to be benign by multiple in silico algorithms, and/or has population frequency not consistent with disease.

PreventionGenetics, part of Exact Sciences
Classification: Benign. Review status: criteria provided, single submitter. Criteria: ACMG Guidelines, 2015. Collection method: clinical testing. Allele origin: germline.

NM_017777.4(MKS1):c.-18C>G

Genes: MKS1 (MKS transition zone complex subunit 1; minus strand), LOC130061271 (ATAC-STARR-seq lymphoblastoid active region 12461; plus strand). Cytogenetic location: 17q22.
Variant type: single nucleotide variant.
Coding change: c.-18C>G on transcript NM_017777.4 (MANE Select); 18 bases upstream of the start codon, C replaced by G.
Molecular consequence: 5 prime UTR variant.
Genome position (GRCh38, 1-based): chr17:58,219,248, G>C on the plus strand (C>G on the coding strand, the complement: MKS1 is on the minus strand). VCF-style: chr17-58219248-G-C. GRCh37 (hg19) VCF-style: chr17-56296609-G-C.
Other names: c.-529C>G (NM_001321268.2); c.-18C>G (NM_001321269.2, NM_001330397.2).
Identifiers: ClinVar variation 260877 (VCV000260877.7), dbSNP rs116514023, ClinGen allele CA8669674.
Genomic context (GRCh38, chr17:58,219,248, plus strand): 5'-ACACTGCCTCCCCGGTGTCAGTGCTCCAGACGGTCTCCGCCATGACAGCTGCGACGCGCC[G>C]CGACTGCGCCGGAAAGCGCGCCGCTCTGTTTTCCTGGCAACGGAGACGCTGGATCGGGAG-3'